The following is an entry in ClinVar:

ClinVar aggregate classification (germline): Uncertain significance (1 of 4 stars; one submission).

Conditions:
Pitt-Hopkins-like syndrome 2 (PTHSL2). Identifiers: Orphanet 221150, Orphanet 600663, MedGen C3280479, MONDO:0013690, OMIM 614325.

Allele frequency attached by ClinVar (database versions not stated): gnomAD exomes below 0.00001.
gnomAD v4.1: 2 of 1,613,608 alleles (0.00012%); highest among the groups gnomAD compares: African/African-American, 0.0013%; no homozygotes.

Submission:

Labcorp Genetics (formerly Invitae), Labcorp
Classification: Uncertain significance for Pitt-Hopkins-like syndrome 2. Last evaluated: 2023-12-16. Review status: criteria provided, single submitter. Criteria: Invitae Variant Classification Sherloc (09022015). Collection method: clinical testing. Allele origin: germline.
Comment: This sequence change replaces alanine, which is neutral and non-polar, with threonine, which is neutral and polar, at codon 797 of the NRXN1 protein (p.Ala797Thr). This variant is not present in population databases (gnomAD no frequency). This variant has not been reported in the literature in individuals affected with NRXN1-related conditions. ClinVar contains an entry for this variant (Variation ID: 1016991). An algorithm developed to predict the effect of missense changes on protein structure and function (PolyPhen-2) suggests that this variant is likely to be disruptive. In summary, the available evidence is currently insufficient to determine the role of this variant in disease. Therefore, it has been classified as a Variant of Uncertain Significance.

NM_001330078.2(NRXN1):c.2269G>A (p.Ala757Thr)

Gene: NRXN1 (neurexin 1; minus strand). Cytogenetic location: 2p16.3.
Variant type: single nucleotide variant.
Coding change: c.2269G>A on transcript NM_001330078.2 (MANE Select); coding-DNA position 2269, G replaced by A.
Protein change: p.Ala757Thr; replaces alanine 757 with threonine.
Molecular consequence: missense variant.
Genome position (GRCh38, 1-based): chr2:50,531,305, C>T on the plus strand (G>A on the coding strand, the complement: NRXN1 is on the minus strand). VCF-style: chr2-50531305-C-T. GRCh37 (hg19) VCF-style: chr2-50758443-C-T.
Other names: c.2389G>A, p.Ala797Thr (NM_001135659.3); c.2245G>A, p.Ala749Thr (NM_001330077.2, NM_001330082.2, NM_001330095.2); c.2230G>A, p.Ala744Thr (NM_001330083.2, NM_001330084.2); c.2269G>A, p.Ala757Thr (NM_001330085.2, NM_001330086.2, NM_004801.6); c.2185G>A, p.Ala729Thr (NM_001330087.2, NM_001330096.2); c.2215G>A, p.Ala739Thr (NM_001330088.2); c.2266G>A, p.Ala756Thr (NM_001330093.2); c.2257G>A, p.Ala753Thr (NM_001330094.2); short protein forms A729T, A739T, A744T, A749T, A753T, A756T, A757T, A797T.
Identifiers: ClinVar variation 1016991 (VCV001016991.8), dbSNP rs2093099651, ClinGen allele CA346769560.